The following is an entry in ClinVar:

ClinVar aggregate classification (germline): Uncertain significance (1 of 4 stars; one submission).

Allele frequency attached by ClinVar (database versions not stated): TOPMed below 0.00001; ExAC 0.00001; gnomAD 0.00001; gnomAD exomes 0.00001; 1000 Genomes Project 30x 0.00016; 1000 Genomes Project 0.00020.
gnomAD v4.1: 5 of 1,614,134 alleles (0.00031%); highest among the groups gnomAD compares: South Asian, 0.0055%; no homozygotes.

Submission:

Labcorp Genetics (formerly Invitae), Labcorp
Classification: Uncertain significance. Last evaluated: 2022-07-25. Review status: criteria provided, single submitter. Criteria: Invitae Variant Classification Sherloc (09022015). Collection method: clinical testing. Allele origin: germline.
Comment: In summary, the available evidence is currently insufficient to determine the role of this variant in disease. Therefore, it has been classified as a Variant of Uncertain Significance. Algorithms developed to predict the effect of missense changes on protein structure and function are either unavailable or do not agree on the potential impact of this missense change (SIFT: "Deleterious"; PolyPhen-2: "Benign"; Align-GVGD: "Class C0"). This variant has not been reported in the literature in individuals affected with SIAE-related conditions. This variant is present in population databases (rs572077075, gnomAD 0.003%). This sequence change replaces serine, which is neutral and polar, with cysteine, which is neutral and slightly polar, at codon 79 of the SIAE protein (p.Ser79Cys).

NM_170601.5(SIAE):c.236C>G (p.Ser79Cys)

Gene: SIAE (sialic acid acetylesterase; minus strand). Cytogenetic location: 11q24.2.
Variant type: single nucleotide variant.
Coding change: c.236C>G on transcript NM_170601.5 (MANE Select); coding-DNA position 236, C replaced by G.
Protein change: p.Ser79Cys; replaces serine 79 with cysteine.
Molecular consequence: missense variant.
Genome position (GRCh38, 1-based): chr11:124,660,797, G>C on the plus strand (C>G on the coding strand, the complement: SIAE is on the minus strand). VCF-style: chr11-124660797-G-C. GRCh37 (hg19) VCF-style: chr11-124530693-G-C.
Other names: c.131C>G, p.Ser44Cys (NM_001199922.2); short protein forms S44C, S79C.
Identifiers: ClinVar variation 2167530 (VCV002167530.4), dbSNP rs572077075, ClinGen allele CA6341605.
Genomic context (GRCh38, chr11:124,660,797, plus strand): 5'-GCCATCACTTCGAAAGGTCCTCCAGGCTTCATAGGATCCAGTACCACCATCCACGTATCA[G>C]AGTGAGCTGAAATAGTAACAGGACTCCAAGGAATTAATCAATCAATTAAAGTGAAATCAA-3'
Protein context (NP_733746.1, residues 69-89): MKKVTSVKAH[Ser79Cys]DTWMVVLDPM